The following is an entry in ClinVar:

NM_001242896.3(DEPDC5):c.1319A>G (p.Asp440Gly)

Gene: DEPDC5 (DEP domain containing 5, GATOR1 subcomplex subunit; plus strand). Cytogenetic location: 22q12.3.
Variant type: single nucleotide variant.
Coding change: c.1319A>G on transcript NM_001242896.3 (MANE Select); coding-DNA position 1319, A replaced by G.
Protein change: p.Asp440Gly; replaces aspartic acid 440 with glycine.
Molecular consequence: missense variant. On other transcripts: non-coding transcript variant (5).
Genome position (GRCh38, 1-based): chr22:31,809,642, A>G. VCF-style: chr22-31809642-A-G. GRCh37 (hg19) VCF-style: chr22-32205628-A-G.
Other names: c.1319A>G, p.Asp440Gly (NM_001007188.4, NM_001136029.4, NM_001242897.2 and 7 more transcripts); c.1235A>G, p.Asp412Gly (NM_001369901.1, NM_001369902.1); short protein forms D412G, D440G.
Identifiers: ClinVar variation 1312997 (VCV001312997.2), dbSNP rs1568973863, ClinGen allele CA411276547.

ClinVar aggregate classification (germline): Uncertain significance (1 of 4 stars; one submission).

Allele frequency attached by ClinVar (database versions not stated): gnomAD exomes below 0.00001.

Submission:

GeneDx
Classification: Uncertain significance. Last evaluated: 2020-07-21. Review status: criteria provided, single submitter. Criteria: GeneDx Variant Classification Process June 2021. Collection method: clinical testing. Allele origin: germline. Affected: yes.
Comment: Not observed at a significant frequency in large population cohorts (Lek et al., 2016); In silico analysis supports that this missense variant does not alter protein structure/function; Has not been previously published as pathogenic or benign to our knowledge